The following is an entry in ClinVar:

ClinVar aggregate classification (germline): Uncertain significance. Review status: criteria provided, multiple submitters, no conflicts (2 of 4 stars). 2 submissions from 2 submitters: Uncertain significance (2). Last evaluated 2023-11-27.

Conditions:
Inborn genetic diseases. Identifiers: MedGen C0950123, MeSH D030342.
Juvenile onset Parkinson disease 19A. Also called: PARK19; DNAJC6 Parkinson Disease. Identifiers: Orphanet 391411, MedGen C3809811, MONDO:0014231, OMIM 615528.

Allele frequency attached by ClinVar (database versions not stated): gnomAD exomes below 0.00001; gnomAD 0.00002; TOPMed 0.00002.
gnomAD v4.1: 5 of 1,612,562 alleles (0.00031%); highest among the groups gnomAD compares: African/African-American, 0.004%; no homozygotes.

Submissions (2):

Ambry Genetics
Classification: Uncertain significance for Inborn genetic diseases. Last evaluated: 2023-11-27. Review status: criteria provided, single submitter. Criteria: Ambry Variant Classification Scheme 2023. Collection method: clinical testing. Allele origin: germline.

Labcorp Genetics (formerly Invitae), Labcorp
Classification: Uncertain significance for Juvenile onset Parkinson disease 19A. Last evaluated: 2022-06-18. Review status: criteria provided, single submitter. Criteria: Invitae Variant Classification Sherloc (09022015). Collection method: clinical testing. Allele origin: germline.
Comment: In summary, the available evidence is currently insufficient to determine the role of this variant in disease. Therefore, it has been classified as a Variant of Uncertain Significance. Algorithms developed to predict the effect of missense changes on protein structure and function (SIFT, PolyPhen-2, Align-GVGD) all suggest that this variant is likely to be tolerated. This variant has not been reported in the literature in individuals affected with DNAJC6-related conditions. This variant is not present in population databases (gnomAD no frequency). This sequence change replaces serine, which is neutral and polar, with glycine, which is neutral and non-polar, at codon 664 of the DNAJC6 protein (p.Ser664Gly).

NM_001256864.2(DNAJC6):c.1990A>G (p.Ser664Gly)

Gene: DNAJC6 (DnaJ heat shock protein family (Hsp40) member C6; plus strand). Cytogenetic location: 1p31.3.
Variant type: single nucleotide variant.
Coding change: c.1990A>G on transcript NM_001256864.2 (MANE Select); coding-DNA position 1990, A replaced by G.
Protein change: p.Ser664Gly; replaces serine 664 with glycine.
Molecular consequence: missense variant.
Genome position (GRCh38, 1-based): chr1:65,394,984, A>G. VCF-style: chr1-65394984-A-G. GRCh37 (hg19) VCF-style: chr1-65860667-A-G.
Other names: c.1780A>G, p.Ser594Gly (NM_001256865.2); c.1819A>G, p.Ser607Gly (NM_014787.4); c.1819A>G (NM_014787.2); short protein forms S607G, S664G, S594G.
Identifiers: ClinVar variation 1401860 (VCV001401860.7), dbSNP rs986073706, ClinGen allele CA23921106.